The following is an entry in ClinVar:

NM_000238.4(KCNH2):c.632C>T (p.Ala211Val)

Gene: KCNH2 (potassium voltage-gated channel subfamily H member 2; minus strand). Cytogenetic location: 7q36.1.
Variant type: single nucleotide variant.
Coding change: c.632C>T on transcript NM_000238.4 (MANE Select); coding-DNA position 632, C replaced by T.
Protein change: p.Ala211Val; replaces alanine 211 with valine.
Molecular consequence: missense variant.
Genome position (GRCh38, 1-based): chr7:150,958,343, G>A on the plus strand (C>T on the coding strand, the complement: KCNH2 is on the minus strand). VCF-style: chr7-150958343-G-A. GRCh37 (hg19) VCF-style: chr7-150655431-G-A.
Other names: c.344C>T, p.Ala115Val (NM_001406753.1, NM_001406756.1); c.455C>T, p.Ala152Val (NM_001406755.1); c.332C>T, p.Ala111Val (NM_001406757.1); c.632C>T, p.Ala211Val (NM_172056.3); short protein forms A152V, A211V, A111V, A115V.
Identifiers: ClinVar variation 2137075 (VCV002137075.3), dbSNP rs867669815, ClinGen allele CA369863034.

ClinVar aggregate classification (germline): Uncertain significance (1 of 4 stars; one submission).

Conditions:
Long QT syndrome (LQTS). Identifiers: MedGen C0023976, MeSH D008133, MONDO:0002442. Disease mechanism: loss of function. Inheritance: Various modes of inheritance.

Allele frequency attached by ClinVar (database versions not stated): gnomAD exomes below 0.00001.

Submission:

Labcorp Genetics (formerly Invitae), Labcorp
Classification: Uncertain significance for Long QT syndrome. Last evaluated: 2022-08-20. Review status: criteria provided, single submitter. Criteria: Invitae Variant Classification Sherloc (09022015). Collection method: clinical testing. Allele origin: germline.
Comment: In summary, the available evidence is currently insufficient to determine the role of this variant in disease. Therefore, it has been classified as a Variant of Uncertain Significance. This sequence change replaces alanine, which is neutral and non-polar, with valine, which is neutral and non-polar, at codon 211 of the KCNH2 protein (p.Ala211Val). This variant is not present in population databases (gnomAD no frequency). This variant has not been reported in the literature in individuals affected with KCNH2-related conditions. Algorithms developed to predict the effect of missense changes on protein structure and function (SIFT, PolyPhen-2, Align-GVGD) all suggest that this variant is likely to be tolerated.